The following is an entry in ClinVar:

NM_000057.4(BLM):c.3553T>G (p.Leu1185Val)

Gene: BLM (BLM RecQ like helicase; plus strand). Cytogenetic location: 15q26.1.
Variant type: single nucleotide variant.
Coding change: c.3553T>G on transcript NM_000057.4 (MANE Select); coding-DNA position 3553, T replaced by G.
Protein change: p.Leu1185Val; replaces leucine 1185 with valine.
Molecular consequence: missense variant. On other transcripts: intron variant (1).
Genome position (GRCh38, 1-based): chr15:90,803,715, T>G. VCF-style: chr15-90803715-T-G. GRCh37 (hg19) VCF-style: chr15-91346945-T-G.
Other names: c.3553T>G, p.Leu1185Val (NM_001287246.2); c.2428T>G, p.Leu810Val (NM_001287248.2); c.3358+5378T>G (NM_001287247.2); short protein forms L1185V, L810V.
Identifiers: ClinVar variation 3224533 (VCV003224533.1), dbSNP rs2505547938, ClinGen allele CA393847850.

ClinVar aggregate classification (germline): Uncertain significance (1 of 4 stars; one submission).

Conditions:
Hereditary cancer-predisposing syndrome. Also called: Tumor predisposition; Hereditary neoplastic syndrome; Hereditary Cancer Syndrome; Neoplastic Syndromes, Hereditary. Identifiers: Orphanet 140162, MedGen C0027672, MeSH D009386, MONDO:0015356.

Submission:

Ambry Genetics
Classification: Uncertain significance for Hereditary cancer-predisposing syndrome. Last evaluated: 2024-02-26. Review status: criteria provided, single submitter. Criteria: Ambry Variant Classification Scheme 2023. Collection method: clinical testing. Allele origin: germline.
Comment: The p.L1185V variant (also known as c.3553T>G), located in coding exon 17 of the BLM gene, results from a T to G substitution at nucleotide position 3553. The leucine at codon 1185 is replaced by valine, an amino acid with highly similar properties. This amino acid position is conserved. In addition, this alteration is predicted to be tolerated by in silico analysis. Based on the available evidence, the clinical significance of this alteration remains unclear.